The following is an entry in ClinVar:

ClinVar aggregate classification (germline): Uncertain significance (1 of 4 stars; one submission).

Conditions:
Adams-Oliver syndrome 5 (AOS5). Identifiers: Orphanet 974, MedGen C4014970, MONDO:0014459, OMIM 616028.

Submission:

Labcorp Genetics (formerly Invitae), Labcorp
Classification: Uncertain significance for Adams-Oliver syndrome 5. Last evaluated: 2022-04-21. Review status: criteria provided, single submitter. Criteria: Invitae Variant Classification Sherloc (09022015). Collection method: clinical testing. Allele origin: germline.
Comment: In summary, the available evidence is currently insufficient to determine the role of this variant in disease. Therefore, it has been classified as a Variant of Uncertain Significance. Advanced modeling of protein sequence and biophysical properties (such as structural, functional, and spatial information, amino acid conservation, physicochemical variation, residue mobility, and thermodynamic stability) performed at Invitae indicates that this missense variant is not expected to disrupt NOTCH1 protein function. This variant has not been reported in the literature in individuals affected with NOTCH1-related conditions. This variant is not present in population databases (gnomAD no frequency). This sequence change replaces proline, which is neutral and non-polar, with histidine, which is basic and polar, at codon 1231 of the NOTCH1 protein (p.Pro1231His).

NM_017617.5(NOTCH1):c.3692C>A (p.Pro1231His)

Gene: NOTCH1 (notch receptor 1; minus strand). Cytogenetic location: 9q34.3.
Variant type: single nucleotide variant.
Coding change: c.3692C>A on transcript NM_017617.5 (MANE Select); coding-DNA position 3692, C replaced by A.
Protein change: p.Pro1231His; replaces proline 1231 with histidine.
Molecular consequence: missense variant.
Genome position (GRCh38, 1-based): chr9:136,506,925, G>T on the plus strand (C>A on the coding strand, the complement: NOTCH1 is on the minus strand). VCF-style: chr9-136506925-G-T. GRCh37 (hg19) VCF-style: chr9-139401377-G-T.
Other names: short protein forms P1231H.
Identifiers: ClinVar variation 2128972 (VCV002128972.4), dbSNP rs2133344139, ClinGen allele CA375549544.